The following is an entry in ClinVar:

NM_001142966.3(GREB1L):c.5333A>G (p.His1778Arg)

Gene: GREB1L (GREB1 like retinoic acid receptor coactivator; plus strand). Cytogenetic location: 18q11.2.
Variant type: single nucleotide variant.
Coding change: c.5333A>G on transcript NM_001142966.3 (MANE Select); coding-DNA position 5333, A replaced by G.
Protein change: p.His1778Arg; replaces histidine 1778 with arginine.
Molecular consequence: missense variant.
Genome position (GRCh38, 1-based): chr18:21,518,095, A>G. VCF-style: chr18-21518095-A-G. GRCh37 (hg19) VCF-style: chr18-19098056-A-G.
Other names: c.5462A>G, p.His1821Arg (NM_001410867.1); c.5006A>G, p.His1669Arg (NM_001410868.1); short protein forms H1669R, H1778R, H1821R.
Identifiers: ClinVar variation 4886051 (VCV004886051.2).

ClinVar aggregate classification (germline): Uncertain significance (1 of 4 stars; one submission).

gnomAD v4.1: 1 of 1,551,612 alleles (0.000064%); highest among the groups gnomAD compares: Non-Finnish European, 0.000087%; no homozygotes.

Submission:

Dasa
Classification: Uncertain significance. Last evaluated: 2026-04-25. Review status: criteria provided, single submitter. Criteria: DASA Assertion Criteria. Collection method: clinical testing. Allele origin: germline.
Comment: NM_001142966.3(GREB1L):c.5333A>G (p.His1778Arg) is a missense variant that results in the substitution of histidine with arginine. This variant is rare in population databases. The currently available literature and clinical evidence are not sufficient to establish a definitive association between this variant and the reported condition. Therefore, this variant is classified as a variant of uncertain significance.